The following is an entry in ClinVar:

ClinVar aggregate classification (germline): Likely benign. Review status: criteria provided, multiple submitters, no conflicts (2 of 4 stars). 5 submissions from 5 submitters: Likely benign (4). 1 of the submissions does not count toward it. Last evaluated 2024-09-13.

Conditions:
Combined pituitary hormone deficiencies, genetic form. Also called: Pituitary hormone deficiency, combined. Identifiers: Orphanet 95494, MedGen C4273747, MONDO:0013099.

Allele frequency attached by ClinVar (database versions not stated): gnomAD exomes 0.00003 and 0.00004; gnomAD 0.00004; ExAC 0.00008; TOPMed 0.00009; ESP Exome Variant Server 0.00016.

Submissions (5):

Blueprint Genetics
Classification: Likely benign. Last evaluated: 2024-09-13. Review status: criteria provided, single submitter. Criteria: ACMG Guidelines, 2015. Collection method: clinical testing. Allele origin: germline.

Women's Health and Genetics/Laboratory Corporation of America, LabCorp
Classification: Likely benign. Last evaluated: 2024-03-25. Review status: criteria provided, single submitter. Criteria: LabCorp Variant Classification Summary - May 2015. Collection method: clinical testing. Allele origin: germline.

Labcorp Genetics (formerly Invitae), Labcorp
Classification: Likely benign. Last evaluated: 2024-01-31. Review status: criteria provided, single submitter. Criteria: Invitae Variant Classification Sherloc (09022015). Collection method: clinical testing. Allele origin: germline.

CeGaT Center for Human Genetics Tuebingen
Classification: Likely benign. Last evaluated: 2023-03-01. Review status: criteria provided, single submitter. Criteria: CeGaT Center For Human Genetics Tuebingen Variant Classification Criteria Version 2. Collection method: clinical testing. Allele origin: germline. Affected: yes. Observed: 1 variant allele.
Comment: LHX3: BP4, BP7

Natera, Inc.
Classification: Uncertain significance for Combined pituitary hormone deficiency. Last evaluated: 2020-03-17. Review status: no assertion criteria provided. Collection method: clinical testing. Allele origin: germline. Not counted in ClinVar's aggregate classification.

NM_178138.6(LHX3):c.1155C>T (p.Pro385=)

Gene: LHX3 (LIM homeobox 3; minus strand). Cytogenetic location: 9q34.3.
Variant type: single nucleotide variant.
Coding change: c.1155C>T on transcript NM_178138.6 (MANE Select); coding-DNA position 1155, C replaced by T.
Protein change: p.Pro385=; no amino-acid change (proline 385 retained).
Molecular consequence: synonymous variant.
Genome position (GRCh38, 1-based): chr9:136,197,364, G>A on the plus strand (C>T on the coding strand, the complement: LHX3 is on the minus strand). VCF-style: chr9-136197364-G-A. GRCh37 (hg19) VCF-style: chr9-139089210-G-A.
Other names: c.1122C>T, p.Pro374= (NM_001363746.1); c.1170C>T, p.Pro390= (NM_014564.5).
Identifiers: ClinVar variation 737703 (VCV000737703.38), dbSNP rs377653669, ClinGen allele CA5330245.
Genomic context (GRCh38, chr9:136,197,364, plus strand): 5'-CAGGGTGGAGCCGGGCCTGGGTCAGAACTGAGCGTGGTCTACCTCATCCAGCCAGGAGGC[G>A]GGGCTGGCAGGGAAGTCGGGGTAACCCCCGCTGCTCCCCGTGGATAGGTCAGAACTGGGT-3'
Protein context (NP_835258.1, residues 375-395): SGGYPDFPAS[Pro385=]ASWLDEVDHA